The following is an entry in ClinVar:

NM_004260.4(RECQL4):c.1117C>T (p.Leu373Phe)

Gene: RECQL4 (RecQ like helicase 4; minus strand). Cytogenetic location: 8q24.3.
Variant type: single nucleotide variant.
Coding change: c.1117C>T on transcript NM_004260.4 (MANE Select); coding-DNA position 1117, C replaced by T.
Protein change: p.Leu373Phe; replaces leucine 373 with phenylalanine.
Molecular consequence: missense variant.
Genome position (GRCh38, 1-based): chr8:144,516,002, G>A on the plus strand (C>T on the coding strand, the complement: RECQL4 is on the minus strand). VCF-style: chr8-144516002-G-A. GRCh37 (hg19) VCF-style: chr8-145741386-G-A.
Other names: short protein forms L373F.
Identifiers: ClinVar variation 406904 (VCV000406904.15), dbSNP rs370125881, ClinGen allele CA4949064.

ClinVar aggregate classification (germline): Conflicting classifications of pathogenicity. Review status: criteria provided, conflicting classifications (1 of 4 stars). 5 submissions from 5 submitters: Uncertain significance (3); Likely benign (2). Last evaluated 2025-11-17.

Conditions:
Rothmund-Thomson syndrome type 2 (RTS2). Identifiers: Orphanet 221016, MedGen C5203410, MONDO:0016369, OMIM 268400.
RECQL4-related disorder. Also called: RECQL4-related disorders; RECQL4-related condition.
Inborn genetic diseases. Identifiers: MedGen C0950123, MeSH D030342.
Baller-Gerold syndrome (BGS). Also called: CRANIOSYNOSTOSIS WITH RADIAL DEFECTS. Identifiers: Orphanet 1225, MedGen C0265308, MONDO:0009039, OMIM 218600.

Allele frequency attached by ClinVar (database versions not stated): gnomAD exomes 0.00003 and 0.00010; ESP Exome Variant Server 0.00008; ExAC 0.00011; gnomAD 0.00030 and 0.00031; TOPMed 0.00037; 1000 Genomes Project 0.00140; 1000 Genomes Project 30x 0.00141.
gnomAD v4.1: 95 of 1,609,306 alleles (0.0059%); highest among the groups gnomAD compares: African/African-American, 0.089%; no homozygotes.

Submissions (5):

Labcorp Genetics (formerly Invitae), Labcorp
Classification: Likely benign for Baller-Gerold syndrome. Last evaluated: 2025-11-17. Review status: criteria provided, single submitter. Criteria: Invitae Variant Classification Sherloc (09022015). Collection method: clinical testing. Allele origin: germline.

Ambry Genetics
Classification: Likely benign for Inborn genetic diseases. Last evaluated: 2025-08-05. Review status: criteria provided, single submitter. Criteria: Ambry Variant Classification Scheme 2023. Collection method: clinical testing. Allele origin: germline.

St. Jude Molecular Pathology, St. Jude Children's Research Hospital
Classification: Uncertain significance for Rothmund-Thomson syndrome type 2. Last evaluated: 2025-06-17. Review status: criteria provided, single submitter. Criteria: St. Jude Assertion Criteria 2020. Collection method: clinical testing. Allele origin: germline.
Comment: The RECQL4 c.1117C>T p.(Leu373Phe) missense change has a maximum subpopulation frequency of 0.1% in gnomAD v2.1.1. In silico tools are inconclusive about a pathogenic or benign effect of this variant on protein function, and to our knowledge functional studies have not been performed. To our knowledge, this variant has not been reported in individuals with RECQL4-associated conditions. In summary, the evidence currently available is insufficient to determine the clinical significance of this variant. It has therefore been classified as of uncertain significance.

PreventionGenetics, part of Exact Sciences
Classification: Uncertain significance for RECQL4-related condition. Last evaluated: 2025-03-13. Review status: criteria provided, single submitter. Criteria: ACMG Guidelines, 2015. Collection method: clinical testing. Allele origin: germline.
Comment: The RECQL4 c.1117C>T variant is predicted to result in the amino acid substitution p.Leu373Phe. To our knowledge, this variant has not been reported in the literature. This variant is reported in 0.10% of alleles in individuals of African descent in gnomAD and has conflicting interpretations regarding its pathogenicity in ClinVar, ranging from likely benign to uncertain. Although we suspect that this variant may be benign, at this time, the clinical significance of this variant is uncertain due to the absence of conclusive functional and genetic evidence.

GeneDx
Classification: Uncertain significance. Last evaluated: 2024-12-23. Review status: criteria provided, single submitter. Criteria: GeneDx Variant Classification Process June 2021. Collection method: clinical testing. Allele origin: germline.
Comment: In silico analysis indicates that this missense variant does not alter protein structure/function; Has not been previously published as pathogenic or benign to our knowledge